The following is an entry in ClinVar:

NM_003072.5(SMARCA4):c.355G>C (p.Gly119Arg)

Gene: SMARCA4 (SWI/SNF related BAF chromatin remodeling complex subunit ATPase 4; plus strand). Cytogenetic location: 19p13.2.
Variant type: single nucleotide variant.
Coding change: c.355G>C on transcript NM_003072.5 (MANE Select); coding-DNA position 355, G replaced by C.
Protein change: p.Gly119Arg; replaces glycine 119 with arginine.
Molecular consequence: missense variant. On other transcripts: non-coding transcript variant (1).
Genome position (GRCh38, 1-based): chr19:10,985,405, G>C. VCF-style: chr19-10985405-G-C. GRCh37 (hg19) VCF-style: chr19-11096081-G-C.
Other names: c.355G>C, p.Gly119Arg (NM_001128844.3, NM_001128845.2, NM_001128846.2 and 5 more transcripts); short protein forms G119R.
Identifiers: ClinVar variation 537806 (VCV000537806.8), dbSNP rs1555752203, ClinGen allele CA404055426.

ClinVar aggregate classification (germline): Uncertain significance (1 of 4 stars; one submission).

Conditions:
Rhabdoid tumor predisposition syndrome 2 (RTPS2). Identifiers: Orphanet 231108, Orphanet 69077, MedGen C2750074, MONDO:0013224, OMIM 613325.

Submission:

Labcorp Genetics (formerly Invitae), Labcorp
Classification: Uncertain significance for Rhabdoid tumor predisposition syndrome 2. Last evaluated: 2017-12-12. Review status: criteria provided, single submitter. Criteria: Invitae Variant Classification Sherloc (09022015). Collection method: clinical testing. Allele origin: germline.
Comment: In summary, the available evidence is currently insufficient to determine the role of this variant in disease. Therefore, it has been classified as a Variant of Uncertain Significance. Nucleotide substitutions within the consensus splice site are a relatively common cause of aberrant splicing (PMID: 17576681, 9536098). Algorithms developed to predict the effect of sequence changes on RNA splicing suggest that this variant may disrupt the consensus splice site, but this prediction has not been confirmed by published transcriptional studies. Algorithms developed to predict the effect of missense changes on protein structure and function (SIFT, PolyPhen-2, Align-GVGD) all suggest that this variant is likely to be disruptive, but these predictions have not been confirmed by published functional studies and their clinical significance is uncertain. This variant has not been reported in the literature in individuals with SMARCA4-related disease. This variant is not present in population databases (ExAC no frequency). This sequence change replaces glycine with arginine at codon 119 of the SMARCA4 protein (p.Gly119Arg). The glycine residue is highly conserved and there is a moderate physicochemical difference between glycine and arginine. This variant also falls at the last nucleotide of exon 3 of the SMARCA4 coding sequence, which is part of the consensus splice site for this exon.

Literature cited by the submitters: PubMed 17576681; PubMed 9536098.